The following is an entry in ClinVar:

NM_020778.5(ALPK3):c.3521C>A (p.Ala1174Glu)

Gene: ALPK3 (alpha kinase 3; plus strand). Cytogenetic location: 15q25.3.
Variant type: single nucleotide variant.
Coding change: c.3521C>A on transcript NM_020778.5 (MANE Select); coding-DNA position 3521, C replaced by A.
Protein change: p.Ala1174Glu; replaces alanine 1174 with glutamic acid.
Molecular consequence: missense variant.
Genome position (GRCh38, 1-based): chr15:84,858,259, C>A. VCF-style: chr15-84858259-C-A. GRCh37 (hg19) VCF-style: chr15-85401490-C-A.
Other names: short protein forms A1174E.
Identifiers: ClinVar variation 1429513 (VCV001429513.9), dbSNP rs541005940, ClinGen allele CA7709654.

ClinVar aggregate classification (germline): Uncertain significance. Review status: criteria provided, multiple submitters, no conflicts (2 of 4 stars). 2 submissions from 2 submitters: Uncertain significance (2). Last evaluated 2025-12-16.

Conditions:
Cardiovascular phenotype. Identifiers: MedGen CN230736.

Allele frequency attached by ClinVar (database versions not stated): gnomAD exomes 0.00005; ExAC 0.00007; 1000 Genomes Project 30x 0.00016; 1000 Genomes Project 0.00020.
gnomAD v4.1: 18 of 1,600,772 alleles (0.0011%); highest among the groups gnomAD compares: East Asian, 0.036%; no homozygotes.

Submissions (2):

Labcorp Genetics (formerly Invitae), Labcorp
Classification: Uncertain significance. Last evaluated: 2025-12-16. Review status: criteria provided, single submitter. Criteria: Invitae Variant Classification Sherloc (09022015). Collection method: clinical testing. Allele origin: germline.
Comment: This sequence change replaces alanine, which is neutral and non-polar, with glutamic acid, which is acidic and polar, at codon 1376 of the ALPK3 protein (p.Ala1376Glu). The frequency data for this variant in the population databases is considered unreliable, as metrics indicate poor data quality at this position in the gnomAD database. This variant has not been reported in the literature in individuals affected with ALPK3-related conditions. ClinVar contains an entry for this variant (Variation ID: 1429513). Invitae Evidence Modeling of protein sequence and biophysical properties (such as structural, functional, and spatial information, amino acid conservation, physicochemical variation, residue mobility, and thermodynamic stability) indicates that this missense variant is expected to disrupt ALPK3 protein function with a positive predictive value of 80%. In summary, the available evidence is currently insufficient to determine the role of this variant in disease. Therefore, it has been classified as a Variant of Uncertain Significance.

Ambry Genetics
Classification: Uncertain significance for Cardiovascular phenotype. Last evaluated: 2025-05-24. Review status: criteria provided, single submitter. Criteria: Ambry Variant Classification Scheme 2023. Collection method: clinical testing. Allele origin: germline.
Comment: The p.A1376E variant (also known as c.4127C>A), located in coding exon 6 of the ALPK3 gene, results from a C to A substitution at nucleotide position 4127. The alanine at codon 1376 is replaced by glutamic acid, an amino acid with dissimilar properties. This amino acid position is conserved. In addition, this alteration is predicted to be tolerated by in silico analysis. Since supporting evidence is limited at this time, the clinical significance of this alteration remains unclear.